The following is an entry in ClinVar:

NM_000720.4(CACNA1D):c.1535G>C (p.Trp512Ser)

Gene: CACNA1D (calcium voltage-gated channel subunit alpha1 D; plus strand). Cytogenetic location: 3p21.1.
Variant type: single nucleotide variant.
Coding change: c.1535G>C on transcript NM_000720.4 (MANE Plus Clinical); coding-DNA position 1535, G replaced by C.
Protein change: p.Trp512Ser; replaces tryptophan 512 with serine.
Molecular consequence: missense variant. On other transcripts: intron variant (2).
Genome position (GRCh38, 1-based): chr3:53,718,738, G>C. VCF-style: chr3-53718738-G-C. GRCh37 (hg19) VCF-style: chr3-53752765-G-C.
Other names: c.1478+350G>C (NM_001128840.3, NM_001128839.3); short protein forms W512S.
Identifiers: ClinVar variation 1471449 (VCV001471449.6), dbSNP rs1241540775, ClinGen allele CA353236205.

ClinVar aggregate classification (germline): Uncertain significance (1 of 4 stars; one submission).

Allele frequency attached by ClinVar (database versions not stated): TOPMed below 0.00001; gnomAD 0.00001.
gnomAD v4.1: 1 of 1,553,564 alleles (0.000064%); highest among the groups gnomAD compares: Non-Finnish European, 0.000087%; no homozygotes.

Submission:

Labcorp Genetics (formerly Invitae), Labcorp
Classification: Uncertain significance. Last evaluated: 2024-01-02. Review status: criteria provided, single submitter. Criteria: Invitae Variant Classification Sherloc (09022015). Collection method: clinical testing. Allele origin: germline.
Comment: This sequence change replaces tryptophan, which is neutral and slightly polar, with serine, which is neutral and polar, at codon 512 of the CACNA1D protein (p.Trp512Ser). This variant is not present in population databases (gnomAD no frequency). This variant has not been reported in the literature in individuals affected with CACNA1D-related conditions. ClinVar contains an entry for this variant (Variation ID: 1471449). Advanced modeling of protein sequence and biophysical properties (such as structural, functional, and spatial information, amino acid conservation, physicochemical variation, residue mobility, and thermodynamic stability) performed at Invitae indicates that this missense variant is not expected to disrupt CACNA1D protein function with a negative predictive value of 80%. In summary, the available evidence is currently insufficient to determine the role of this variant in disease. Therefore, it has been classified as a Variant of Uncertain Significance.